The following is an entry in ClinVar:

ClinVar aggregate classification (germline): Benign/Likely benign. Review status: criteria provided, multiple submitters, no conflicts (2 of 4 stars). 3 submissions from 3 submitters: Benign (1); Likely benign (2). Last evaluated 2026-01-04.

Allele frequency attached by ClinVar (database versions not stated): ESP Exome Variant Server 0.00160; 1000 Genomes Project 0.00359; 1000 Genomes Project 30x 0.00406.
gnomAD v4.1: 1,127 of 1,610,256 alleles (0.07%); highest among the groups gnomAD compares: African/African-American, 0.92%; 5 homozygotes.

Submissions (3):

Labcorp Genetics (formerly Invitae), Labcorp
Classification: Benign. Last evaluated: 2026-01-04. Review status: criteria provided, single submitter. Criteria: Invitae Variant Classification Sherloc (09022015). Collection method: clinical testing. Allele origin: germline.

Blueprint Genetics
Classification: Likely benign. Last evaluated: 2024-11-22. Review status: criteria provided, single submitter. Criteria: ACMG Guidelines, 2015. Collection method: clinical testing. Allele origin: germline.

CeGaT Center for Human Genetics Tuebingen
Classification: Likely benign. Last evaluated: 2023-01-01. Review status: criteria provided, single submitter. Criteria: CeGaT Center For Human Genetics Tuebingen Variant Classification Criteria Version 2. Collection method: clinical testing. Allele origin: germline. Affected: yes. Observed: 1 variant allele.
Comment: KRT17: BS2

NM_000422.3(KRT17):c.89G>C (p.Arg30Pro)

Gene: KRT17 (keratin 17; minus strand). Cytogenetic location: 17q21.2.
Variant type: single nucleotide variant.
Coding change: c.89G>C on transcript NM_000422.3 (MANE Select); coding-DNA position 89, G replaced by C.
Protein change: p.Arg30Pro; replaces arginine 30 with proline.
Molecular consequence: missense variant.
Genome position (GRCh38, 1-based): chr17:41,624,421, C>G on the plus strand (G>C on the coding strand, the complement: KRT17 is on the minus strand). VCF-style: chr17-41624421-C-G. GRCh37 (hg19) VCF-style: chr17-39780673-C-G.
Other names: short protein forms R30P.
Identifiers: ClinVar variation 2498703 (VCV002498703.32), dbSNP rs2229512, ClinGen allele CA8563852.